The following is an entry in ClinVar:

ClinVar aggregate classification (germline): Uncertain significance (1 of 4 stars; one submission).

gnomAD v4.1: 3 of 1,527,646 alleles (0.0002%); highest among the groups gnomAD compares: Non-Finnish European, 0.00018%; no homozygotes.

Submission:

GeneDx
Classification: Uncertain significance. Last evaluated: 2025-02-21. Review status: criteria provided, single submitter. Criteria: GeneDx Variant Classification Process June 2021. Collection method: clinical testing. Allele origin: germline. Affected: yes.
Comment: Not observed at significant frequency in large population cohorts (gnomAD); In silico analysis supports that this missense variant has a deleterious effect on protein structure/function; Has not been previously published as pathogenic or benign to our knowledge

NM_003403.5(YY1):c.624G>T (p.Lys208Asn)

Gene: YY1 (YY1 transcription factor; plus strand). Cytogenetic location: 14q32.2.
Variant type: single nucleotide variant.
Coding change: c.624G>T on transcript NM_003403.5 (MANE Select); coding-DNA position 624, G replaced by T.
Protein change: p.Lys208Asn; replaces lysine 208 with asparagine.
Molecular consequence: missense variant.
Genome position (GRCh38, 1-based): chr14:100,239,868, G>T. VCF-style: chr14-100239868-G-T. GRCh37 (hg19) VCF-style: chr14-100706205-G-T.
Other names: short protein forms K208N.
Identifiers: ClinVar variation 4076872 (VCV004076872.1).
Genomic context (GRCh38, chr14:100,239,868, plus strand): 5'-CGGGGCCGGCGCGGCGGGCGGCGGCGGCGCCGACCCGGGCAACAAGAAGTGGGAGCAGAA[G>T]CAGGTGCAGATCAAGACCCTGGAGGGCGAGTTCTCGGTCACCATGTGGTCCTCAGGTGAG-3'
Protein context (NP_003394.1, residues 198-218): ADPGNKKWEQ[Lys208Asn]QVQIKTLEGE